The following is an entry in ClinVar:

NM_001367624.2(ZNF469):c.3522G>A (p.Pro1174=)

Gene: ZNF469 (zinc finger protein 469; plus strand). Cytogenetic location: 16q24.2.
Variant type: single nucleotide variant.
Coding change: c.3522G>A on transcript NM_001367624.2 (MANE Select); coding-DNA position 3522, G replaced by A.
Protein change: p.Pro1174=; no amino-acid change (proline 1174 retained).
Molecular consequence: synonymous variant.
Genome position (GRCh38, 1-based): chr16:88,430,992, G>A. VCF-style: chr16-88430992-G-A. GRCh37 (hg19) VCF-style: chr16-88497400-G-A.
Other names: NM_001127464.1:c.3438G>A; p.Pro1174=.
Identifiers: ClinVar variation 285444 (VCV000285444.26), dbSNP rs9938800, ClinGen allele CA8224866.
Genomic context (GRCh38, chr16:88,430,992, plus strand): 5'-CCCCGAGGAGCCGGGCGGGTCTCGCCCGGGCCCCGGCAGGAGCCCTCAGGCCCGTGGCCC[G>A]TCTCGAAGCCTGGAGACGGGAGCGGCCGCCAGGGAGGGAGGCCCCAAGTGTGCTGATCGC-3'
Protein context (NP_001354553.1, residues 1164-1184): GPGRSPQARG[Pro1174=]SRSLETGAAA

ClinVar aggregate classification (germline): Benign. Review status: criteria provided, multiple submitters, no conflicts (2 of 4 stars). 12 submissions from 12 submitters: Benign (9). 3 of the submissions do not count toward it. Last evaluated 2026-02-04.

Conditions:
Cardiovascular phenotype. Identifiers: MedGen CN230736.
Brittle cornea syndrome 1 (BCS1). Also called: Corneal fragility keratoglobus, blue sclerae AND joint hypermobility; CORNEAL FRAGILITY, KERATOGLOBUS, BLUE SCLERAE, JOINT HYPEREXTENSIBILITY; DYSGENESIS MESODERMALIS CORNEAE ET SCLERAE; EDS6B; FRAGILITAS OCULI WITH JOINT HYPEREXTENSIBILITY. Identifiers: Orphanet 90354, MedGen C0268344, MONDO:0024543, OMIM 229200.

Allele frequency attached by ClinVar (database versions not stated): TOPMed 0.88961; gnomAD 0.89252 and 0.89885; 1000 Genomes Project 30x 0.89866; 1000 Genomes Project 0.90256; ExAC 0.96031; gnomAD exomes 0.96262 and 0.96700.
gnomAD v4.1: 1,480,098 of 1,541,694 alleles (96%); highest among the groups gnomAD compares: East Asian, 100%; 712,945 homozygotes.

Submissions (12):

Labcorp Genetics (formerly Invitae), Labcorp
Classification: Benign. Last evaluated: 2026-02-04. Review status: criteria provided, single submitter. Criteria: Invitae Variant Classification Sherloc (09022015). Collection method: clinical testing. Allele origin: germline.

Women's Health and Genetics/Laboratory Corporation of America, LabCorp
Classification: Benign. Last evaluated: 2025-10-13. Review status: criteria provided, single submitter. Criteria: LabCorp Variant Classification Summary - May 2015. Collection method: clinical testing. Allele origin: germline.

Blueprint Genetics
Classification: Benign. Last evaluated: 2024-11-27. Review status: criteria provided, single submitter. Criteria: ACMG Guidelines, 2015. Collection method: clinical testing. Allele origin: germline.

Mayo Clinic Laboratories, Mayo Clinic
Classification: Benign. Last evaluated: 2022-04-26. Review status: criteria provided, single submitter. Criteria: ACMG Guidelines, 2015. Collection method: clinical testing. Allele origin: germline. Observed: 3,082 variant alleles.

Genome-Nilou Lab
Classification: Benign for Brittle cornea syndrome 1. Last evaluated: 2021-12-05. Review status: criteria provided, single submitter. Criteria: ACMG Guidelines, 2015. Collection method: clinical testing. Allele origin: germline. Affected: no.

Ambry Genetics
Classification: Benign for Cardiovascular phenotype. Last evaluated: 2018-12-04. Review status: criteria provided, single submitter. Criteria: Ambry Variant Classification Scheme 2023. Collection method: clinical testing. Allele origin: germline.

GeneDx
Classification: Benign. Last evaluated: 2016-09-29. Review status: criteria provided, single submitter. Criteria: GeneDx Variant Classification (06012015). Collection method: clinical testing. Allele origin: germline. Affected: yes.
Comment: This variant is considered likely benign or benign based on one or more of the following criteria: it is a conservative change, it occurs at a poorly conserved position in the protein, it is predicted to be benign by multiple in silico algorithms, and/or has population frequency not consistent with disease.

Eurofins Ntd Llc (ga)
Classification: Benign. Last evaluated: 2015-12-28. Review status: criteria provided, single submitter. Criteria: EGL Classification Definitions 2015. Collection method: clinical testing. Allele origin: germline. Observed: 41 variant alleles, 1 heterozygote, 40 homozygotes.

Breakthrough Genomics
Classification: Benign. Review status: criteria provided, single submitter. Criteria: ACMG Guidelines, 2015. Collection method: not provided. Allele origin: germline. Inheritance: Autosomal recessive inheritance. Affected: yes.

Genome Diagnostics Laboratory, Amsterdam University Medical Center
Classification: Benign for Brittle cornea syndrome 1. Last evaluated: 2016-01-15. Review status: no assertion criteria provided. Criteria: ACGS Guidelines, 2013. Collection method: clinical testing. Allele origin: germline. Affected: yes. Study: VKGL Data-share Consensus. Not counted in ClinVar's aggregate classification.

Diagnostic Laboratory, Department of Genetics, University Medical Center Groningen
Classification: Benign for Brittle cornea syndrome 1. Review status: no assertion criteria provided. Collection method: clinical testing. Allele origin: germline. Affected: yes. Study: VKGL Data-share Consensus. Not counted in ClinVar's aggregate classification.

Joint Genome Diagnostic Labs from Nijmegen and Maastricht, Radboudumc and MUMC+
Classification: Benign. Review status: no assertion criteria provided. Collection method: clinical testing. Allele origin: germline. Affected: yes. Study: VKGL Data-share Consensus. Not counted in ClinVar's aggregate classification.